The following is an entry in ClinVar:

ClinVar aggregate classification (germline): Pathogenic (1 of 4 stars; one submission).

Conditions:
TP63-Related Spectrum Disorders.

Submission:

Labcorp Genetics (formerly Invitae), Labcorp
Classification: Pathogenic. Last evaluated: 2022-11-12. Review status: criteria provided, single submitter. Criteria: Invitae Variant Classification Sherloc (09022015). Collection method: clinical testing. Allele origin: germline.
Comment: This variant is also known as S272N. This missense change has been observed in individuals with TP63-related conditions (PMID: 10535733, 21959367; Invitae). This variant is not present in population databases (gnomAD no frequency). This sequence change replaces serine, which is neutral and polar, with asparagine, which is neutral and polar, at codon 311 of the TP63 protein (p.Ser311Asn). Advanced modeling of protein sequence and biophysical properties (such as structural, functional, and spatial information, amino acid conservation, physicochemical variation, residue mobility, and thermodynamic stability) performed at Invitae indicates that this missense variant is expected to disrupt TP63 protein function. For these reasons, this variant has been classified as Pathogenic. This variant disrupts the p.Ser311 amino acid residue in TP63. Other variant(s) that disrupt this residue have been observed in individuals with TP63-related conditions (PMID: 21959367), which suggests that this may be a clinically significant amino acid residue. Experimental studies have shown that this missense change affects TP63 function (PMID: 21652629).

Literature cited by the submitters: PubMed 10535733; PubMed 21959367; PubMed 21652629.

NM_003722.5(TP63):c.932G>A (p.Ser311Asn)

Gene: TP63 (tumor protein p63; plus strand). Cytogenetic location: 3q28.
Variant type: single nucleotide variant.
Coding change: c.932G>A on transcript NM_003722.5 (MANE Select); coding-DNA position 932, G replaced by A.
Protein change: p.Ser311Asn; replaces serine 311 with asparagine.
Molecular consequence: missense variant.
Genome position (GRCh38, 1-based): chr3:189,867,882, G>A. VCF-style: chr3-189867882-G-A. GRCh37 (hg19) VCF-style: chr3-189585671-G-A.
Other names: c.932G>A, p.Ser311Asn (NM_001114978.2, NM_001114979.2, NM_001329144.2 and 1 more transcripts); c.650G>A, p.Ser217Asn (NM_001329149.2, NM_001114980.2, NM_001114981.2 and 2 more transcripts); c.395G>A, p.Ser132Asn (NM_001329150.2, NM_001329146.2); c.926G>A, p.Ser309Asn (NM_001329964.2); short protein forms S217N, S132N, S309N, S311N.
Identifiers: ClinVar variation 2734606 (VCV002734606.2), dbSNP rs2474609177, ClinGen allele CA355754948.